The following is an entry in ClinVar:

ClinVar aggregate classification (germline): Likely benign. Review status: criteria provided, multiple submitters, no conflicts (2 of 4 stars). 4 submissions from 4 submitters: Likely benign (3). 1 of the submissions does not count toward it. Last evaluated 2025-12-03.

Conditions:
SLC22A5-related disorder. Also called: SLC22A5-related condition.
Renal carnitine transport defect (CDSP). Also called: Systemic primary carnitine deficiency; Carnitine transporter deficiency; Carnitine Deficiency, Systemic; Primary carnitine deficiency; Systemic primary carnitine deficiency disease; CARNITINE DEFICIENCY, SYSTEMIC, DUE TO DEFECT IN RENAL REABSORPTION OF CARNITINE. Identifiers: Orphanet 158, MedGen C0342788, MONDO:0008919, OMIM 212140.

Allele frequency attached by ClinVar (database versions not stated): gnomAD 0.00001; TOPMed 0.00004; gnomAD exomes 0.00006; ExAC 0.00008.
gnomAD v4.1: 86 of 1,614,058 alleles (0.0053%); highest among the groups gnomAD compares: Non-Finnish European, 0.0064%; no homozygotes.

Submissions (4):

Labcorp Genetics (formerly Invitae), Labcorp
Classification: Likely benign for Renal carnitine transport defect. Last evaluated: 2025-12-03. Review status: criteria provided, single submitter. Criteria: Invitae Variant Classification Sherloc (09022015). Collection method: clinical testing. Allele origin: germline.

Mayo Clinic Laboratories, Mayo Clinic
Classification: Likely benign. Last evaluated: 2025-07-02. Review status: criteria provided, single submitter. Criteria: ACMG Guidelines, 2015. Collection method: clinical testing. Allele origin: germline. Observed: 1 variant allele.
Comment: BP4, BP7

Blueprint Genetics
Classification: Likely benign. Last evaluated: 2022-03-15. Review status: criteria provided, single submitter. Criteria: ACMG Guidelines, 2015. Collection method: clinical testing. Allele origin: germline.

PreventionGenetics, part of Exact Sciences
Classification: Likely benign for SLC22A5-related condition. Last evaluated: 2019-06-13. Review status: no assertion criteria provided. Collection method: clinical testing. Allele origin: germline. Not counted in ClinVar's aggregate classification.
Comment: This variant is classified as likely benign based on ACMG/AMP sequence variant interpretation guidelines (Richards et al. 2015 PMID: 25741868, with internal and published modifications).

NM_003060.4(SLC22A5):c.1515C>T (p.Leu505=)

Gene: SLC22A5 (solute carrier family 22 member 5; plus strand). Cytogenetic location: 5q31.1.
Variant type: single nucleotide variant.
Coding change: c.1515C>T on transcript NM_003060.4 (MANE Select); coding-DNA position 1515, C replaced by T.
Protein change: p.Leu505=; no amino-acid change (leucine 505 retained).
Molecular consequence: synonymous variant.
Genome position (GRCh38, 1-based): chr5:132,393,740, C>T. VCF-style: chr5-132393740-C-T. GRCh37 (hg19) VCF-style: chr5-131729432-C-T.
Other names: p.Leu505=; c.1587C>T, p.Leu529= (NM_001308122.2).
Identifiers: ClinVar variation 529856 (VCV000529856.16), dbSNP rs780129415, ClinGen allele CA3404183.